The following is an entry in ClinVar:

ClinVar aggregate classification (germline): Conflicting classifications of pathogenicity. Review status: criteria provided, conflicting classifications (1 of 4 stars). 6 submissions from 6 submitters: Uncertain significance (4); Likely benign (1). 1 of the submissions does not count toward it. Last evaluated 2026-01-31.

Conditions:
ABCC2-related disorder. Also called: ABCC2-related condition.
Dubin-Johnson syndrome (DJS). Also called: Hyperbilirubinemia type 2; HYPERBILIRUBINEMIA, DUBIN-JOHNSON TYPE; Jaundice, Chronic Idiopathic. Identifiers: Orphanet 234, MedGen C0022350, MONDO:0009380, OMIM 237500.

Allele frequency attached by ClinVar (database versions not stated): gnomAD exomes 0.00013 and 0.00031; ExAC 0.00042; 1000 Genomes Project 0.00080; gnomAD 0.00111 and 0.00120; 1000 Genomes Project 30x 0.00141; TOPMed 0.00142; ESP Exome Variant Server 0.00177.
gnomAD v4.1: 374 of 1,614,166 alleles (0.023%); highest among the groups gnomAD compares: African/African-American, 0.42%; no homozygotes.

Submissions (6):

Labcorp Genetics (formerly Invitae), Labcorp
Classification: Likely benign. Last evaluated: 2026-01-31. Review status: criteria provided, single submitter. Criteria: Invitae Variant Classification Sherloc (09022015). Collection method: clinical testing. Allele origin: germline.

Mayo Clinic Laboratories, Mayo Clinic
Classification: Uncertain significance. Last evaluated: 2023-03-27. Review status: criteria provided, single submitter. Criteria: ACMG Guidelines, 2015. Collection method: clinical testing. Allele origin: germline. Observed: 1 variant allele.
Comment: BS1, PP3

Daryl Scott Lab, Baylor College of Medicine
Classification: Uncertain significance for Dubin-Johnson syndrome. Last evaluated: 2022-08-22. Review status: criteria provided, single submitter. Criteria: ACMG Guidelines, 2015. Collection method: clinical testing. Allele origin: unknown. Observed: 1 variant allele, 1 heterozygote.

Eurofins Ntd Llc (ga)
Classification: Uncertain significance. Last evaluated: 2018-06-15. Review status: criteria provided, single submitter. Criteria: EGL ClinVar v180209 classification definitions. Collection method: clinical testing. Allele origin: germline. Observed: 9 variant alleles, 9 heterozygotes.

Illumina Laboratory Services, Illumina
Classification: Uncertain significance for Dubin-Johnson syndrome. Last evaluated: 2017-10-17. Review status: criteria provided, single submitter. Criteria: ICSL Variant Classification Criteria 13 December 2019. Collection method: clinical testing. Allele origin: germline.
Comment: This variant was observed as part of a predisposition screen in an ostensibly healthy population. A literature search was performed for the gene, cDNA change, and amino acid change (where applicable). Publications were found based on this search. However, the evidence from the literature, in combination with allele frequency data from public databases where available, was not sufficient to rule this variant in or out of causing disease. Therefore, this variant is classified as a variant of unknown significance.

PreventionGenetics, part of Exact Sciences
Classification: Likely benign for ABCC2-related condition. Last evaluated: 2021-05-13. Review status: no assertion criteria provided. Collection method: clinical testing. Allele origin: germline. Not counted in ClinVar's aggregate classification.
Comment: This variant is classified as likely benign based on ACMG/AMP sequence variant interpretation guidelines (Richards et al. 2015 PMID: 25741868, with internal and published modifications).

Literature cited by the submitters: PubMed 16847695 (cited by Mayo Clinic Laboratories, Mayo Clinic and Illumina Laboratory Services, Illumina); PubMed 20849526 (cited by Mayo Clinic Laboratories, Mayo Clinic and Illumina Laboratory Services, Illumina); PubMed 22290738 (cited by Mayo Clinic Laboratories, Mayo Clinic and Illumina Laboratory Services, Illumina); PubMed 35477852 (cited by Mayo Clinic Laboratories, Mayo Clinic); PubMed 36135330 (cited by Daryl Scott Lab, Baylor College of Medicine).

NM_000392.5(ABCC2):c.998A>G (p.Asp333Gly)

Gene: ABCC2 (ATP binding cassette subfamily C member 2; plus strand). Cytogenetic location: 10q24.2.
Variant type: single nucleotide variant.
Coding change: c.998A>G on transcript NM_000392.5 (MANE Select); coding-DNA position 998, A replaced by G.
Protein change: p.Asp333Gly; replaces aspartic acid 333 with glycine.
Molecular consequence: missense variant.
Genome position (GRCh38, 1-based): chr10:99,799,337, A>G. VCF-style: chr10-99799337-A-G. GRCh37 (hg19) VCF-style: chr10-101559094-A-G.
Other names: p.Asp333Gly; c.998A>G, p.Asp333Gly (LRG_1208t1); short protein forms D333G.
Identifiers: ClinVar variation 499389 (VCV000499389.20), dbSNP rs17222674, ClinGen allele CA5643040.
Genomic context (GRCh38, chr10:99,799,337, plus strand): 5'-CTCTGTTCAAAACTTTCTACATGGTGCTCCTGAAATCATTCCTACTGAAGCTAGTGAATG[A>G]CATCTTCACGTTTGTGAGTCCTCAGCTGCTGAAGTGAGTCTCCAGGCCTCAGATGGTCCT-3'
Protein context (NP_000383.2, residues 323-343): LKSFLLKLVN[Asp333Gly]IFTFVSPQLL